The following is an entry in ClinVar:

NM_017617.5(NOTCH1):c.1058G>A (p.Arg353His)

Gene: NOTCH1 (notch receptor 1; minus strand). Cytogenetic location: 9q34.3.
Variant type: single nucleotide variant.
Coding change: c.1058G>A on transcript NM_017617.5 (MANE Select); coding-DNA position 1058, G replaced by A.
Protein change: p.Arg353His; replaces arginine 353 with histidine.
Molecular consequence: missense variant.
Genome position (GRCh38, 1-based): chr9:136,518,632, C>T on the plus strand (G>A on the coding strand, the complement: NOTCH1 is on the minus strand). VCF-style: chr9-136518632-C-T. GRCh37 (hg19) VCF-style: chr9-139413084-C-T.
Other names: short protein forms R353H.
Identifiers: ClinVar variation 1779219 (VCV001779219.8), dbSNP rs750215904, ClinGen allele CA5341940.

ClinVar aggregate classification (germline): Conflicting classifications of pathogenicity. Review status: criteria provided, conflicting classifications (1 of 4 stars). 2 submissions from 2 submitters: Uncertain significance (1); Likely benign (1). Last evaluated 2022-04-21.

Conditions:
Adams-Oliver syndrome 5 (AOS5). Identifiers: Orphanet 974, MedGen C4014970, MONDO:0014459, OMIM 616028.
Familial thoracic aortic aneurysm and aortic dissection (TAAD). Also called: Thoracic aortic aneurysms and dissections. Identifiers: Orphanet 91387, MedGen C4707243, MONDO:0019625.

Allele frequency attached by ClinVar (database versions not stated): gnomAD exomes below 0.00001; ExAC 0.00001; gnomAD 0.00001.
gnomAD v4.1: 5 of 1,612,676 alleles (0.00031%); highest among the groups gnomAD compares: East Asian, 0.0022%; no homozygotes.

Submissions (2):

Labcorp Genetics (formerly Invitae), Labcorp
Classification: Likely benign for Adams-Oliver syndrome 5. Last evaluated: 2022-04-21. Review status: criteria provided, single submitter. Criteria: Invitae Variant Classification Sherloc (09022015). Collection method: clinical testing. Allele origin: germline.

Ambry Genetics
Classification: Uncertain significance for Familial thoracic aortic aneurysm and aortic dissection. Last evaluated: 2021-09-12. Review status: criteria provided, single submitter. Criteria: Ambry Variant Classification Scheme 2023. Collection method: clinical testing. Allele origin: germline.
Comment: The p.R353H variant (also known as c.1058G>A), located in coding exon 6 of the NOTCH1 gene, results from a G to A substitution at nucleotide position 1058. The arginine at codon 353 is replaced by histidine, an amino acid with highly similar properties. This alteration has been reported in a family with lymphatic malformations (Michelini S et al. Mol Genet Genomic Med, 2021 01;9:e1529). This amino acid position is highly conserved in available vertebrate species. In addition, the in silico prediction for this alteration is inconclusive. Since supporting evidence is limited at this time, the clinical significance of this alteration remains unclear.

Literature cited by the submitters: PubMed 33247628 (cited by Ambry Genetics).